The following is an entry in ClinVar:

ClinVar aggregate classification (germline): Uncertain significance (1 of 4 stars; one submission).

Submission:

Labcorp Genetics (formerly Invitae), Labcorp
Classification: Uncertain significance. Last evaluated: 2021-03-30. Review status: criteria provided, single submitter. Criteria: Invitae Variant Classification Sherloc (09022015). Collection method: clinical testing. Allele origin: germline.
Comment: In summary, the available evidence is currently insufficient to determine the role of this variant in disease. Therefore, it has been classified as a Variant of Uncertain Significance. Algorithms developed to predict the effect of missense changes on protein structure and function are either unavailable or do not agree on the potential impact of this missense change (SIFT: "Tolerated"; PolyPhen-2: "Not Available"; Align-GVGD: "Class C0"). This variant has not been reported in the literature in individuals with PDZD7-related conditions. This variant is not present in population databases (ExAC no frequency). This sequence change replaces tryptophan with serine at codon 441 of the PDZD7 protein (p.Trp441Ser). The tryptophan residue is moderately conserved and there is a large physicochemical difference between tryptophan and serine.

NM_001195263.2(PDZD7):c.1322G>C (p.Trp441Ser)

Gene: PDZD7 (PDZ domain containing 7; minus strand). Cytogenetic location: 10q24.31.
Variant type: single nucleotide variant.
Coding change: c.1322G>C on transcript NM_001195263.2 (MANE Select); coding-DNA position 1322, G replaced by C.
Protein change: p.Trp441Ser; replaces tryptophan 441 with serine.
Molecular consequence: missense variant.
Genome position (GRCh38, 1-based): chr10:101,018,824, C>G on the plus strand (G>C on the coding strand, the complement: PDZD7 is on the minus strand). VCF-style: chr10-101018824-C-G. GRCh37 (hg19) VCF-style: chr10-102778581-C-G.
Other names: c.1322G>C, p.Trp441Ser (NM_001351044.2, NM_024895.5); short protein forms W441S.
Identifiers: ClinVar variation 1393834 (VCV001393834.8), dbSNP rs1264327176, ClinGen allele CA378228309.